The following is an entry in ClinVar:

NM_170707.4(LMNA):c.1600A>T (p.Thr534Ser)

Gene: LMNA (lamin A/C; plus strand). Cytogenetic location: 1q22.
Variant type: single nucleotide variant.
Coding change: c.1600A>T on transcript NM_170707.4 (MANE Select); coding-DNA position 1600, A replaced by T.
Protein change: p.Thr534Ser; replaces threonine 534 with serine.
Molecular consequence: missense variant.
Genome position (GRCh38, 1-based): chr1:156,137,224, A>T. VCF-style: chr1-156137224-A-T. GRCh37 (hg19) VCF-style: chr1-156107015-A-T.
Other names: c.1264A>T, p.Thr422Ser (NM_001257374.3); c.1357A>T, p.Thr453Ser (NM_001282624.2); c.1600A>T, p.Thr534Ser (NM_001282625.2, NM_001282626.2, NM_005572.4 and 1 more transcripts); short protein forms T534S, T453S, T422S.
Identifiers: ClinVar variation 452653 (VCV000452653.7), dbSNP rs1311820114, ClinGen allele CA342823604.

ClinVar aggregate classification (germline): Uncertain significance. Review status: criteria provided, multiple submitters, no conflicts (2 of 4 stars). 4 submissions from 4 submitters: Uncertain significance (4). Last evaluated 2025-12-21.

Conditions:
Charcot-Marie-Tooth disease type 2. Also called: Charcot-Marie-Tooth type 2. Identifiers: Orphanet 64746, MedGen C0270914, MONDO:0018993.
Primary dilated cardiomyopathy (DCM). Also called: Dilated Cardiomyopathy. Identifiers: Orphanet 217604, MedGen C0007193, MeSH D002311, MONDO:0005021, HP:0001644. Inheritance: Various modes of inheritance.
Cardiovascular phenotype. Identifiers: MedGen CN230736.

Allele frequency attached by ClinVar (database versions not stated): gnomAD exomes below 0.00001 and 0.00001.
gnomAD v4.1: 3 of 1,584,576 alleles (0.00019%); highest among the groups gnomAD compares: Non-Finnish European, 0.000086%; no homozygotes.

Submissions (4):

Labcorp Genetics (formerly Invitae), Labcorp
Classification: Uncertain significance for Charcot-Marie-Tooth disease type 2. Last evaluated: 2025-12-21. Review status: criteria provided, single submitter. Criteria: Invitae Variant Classification Sherloc (09022015). Collection method: clinical testing. Allele origin: germline.
Comment: This sequence change replaces threonine, which is neutral and polar, with serine, which is neutral and polar, at codon 534 of the LMNA protein (p.Thr534Ser). The frequency data for this variant in the population databases is considered unreliable, as metrics indicate poor data quality at this position in the gnomAD database. This missense change has been observed in individual(s) with cardiomyopathy and/or Emery-Dreifuss muscular dystrophy (PMID: 28679633, 28688748). ClinVar contains an entry for this variant (Variation ID: 452653). Invitae Evidence Modeling of protein sequence and biophysical properties (such as structural, functional, and spatial information, amino acid conservation, physicochemical variation, residue mobility, and thermodynamic stability) indicates that this missense variant is not expected to disrupt LMNA protein function with a negative predictive value of 80%. In summary, the available evidence is currently insufficient to determine the role of this variant in disease. Therefore, it has been classified as a Variant of Uncertain Significance.

Ambry Genetics
Classification: Uncertain significance for Cardiovascular phenotype. Last evaluated: 2024-08-06. Review status: criteria provided, single submitter. Criteria: Ambry Variant Classification Scheme 2023. Collection method: clinical testing. Allele origin: germline.
Comment: The p.T534S variant (also known as c.1600A>T), located in coding exon 9 of the LMNA gene, results from an A to T substitution at nucleotide position 1600. The threonine at codon 534 is replaced by serine, an amino acid with similar properties. This amino acid position is not well conserved in available vertebrate species. In addition, the in silico prediction for this alteration is inconclusive. Based on the available evidence, the clinical significance of this variant remains unclear.

All of Us Research Program, National Institutes of Health
Classification: Uncertain significance for Primary dilated cardiomyopathy. Last evaluated: 2023-06-26. Review status: criteria provided, single submitter. Criteria: ACMG Guidelines, 2015. Collection method: clinical testing. Allele origin: germline. Inheritance: Autosomal dominant inheritance. Observed: 1 variant allele, 1 heterozygote.
Comment: This missense variant replaces threonine with serine at codon 534 of the LMNA protein. Computational prediction suggests that this variant may not impact protein structure and function (internally defined REVEL score threshold <= 0.5, PMID: 27666373). To our knowledge, functional studies have not been reported for this variant. This variant has not been reported in individuals affected with LMNA-related disorders in the literature. This variant has been identified in 1/199510 chromosomes in the general population by the Genome Aggregation Database (gnomAD). The available evidence is insufficient to determine the role of this variant in disease conclusively. Therefore, this variant is classified as a Variant of Uncertain Significance.

This study involves interpretation of variants in research participants for the purpose of population health screening. Participant phenotype was not available at the time of variant classification. Additional details can be found in publication PMID: 35346344, PMCID: PMC8962531

GeneDx
Classification: Uncertain significance. Last evaluated: 2017-10-17. Review status: criteria provided, single submitter. Criteria: GeneDx Variant Classification (06012015). Collection method: clinical testing. Allele origin: germline. Affected: yes.
Comment: The T534S variant in the LMNA gene has not been reported previously as a pathogenic variant, nor as a benign variant, to our knowledge. The T534S variant is not observed in large population cohorts (Lek et al., 2016). The T534S variant is a conservative amino acid substitution, which is not likely to impact secondary protein structure as these residues share similar properties. This substitution occurs at a position where amino acids with similar properties to Threonine are tolerated across species. In silico analysis is inconsistent in its predictions as to whether or not the variant is damaging to the protein structure/function. We interpret T534S as a variant of uncertain significance.

Literature cited by the submitters: PubMed 28679633 (cited by Labcorp Genetics (formerly Invitae), Labcorp); PubMed 28688748 (cited by Labcorp Genetics (formerly Invitae), Labcorp).